The following is an entry in ClinVar:

NM_000252.3(MTM1):c.931A>G (p.Ile311Val)

Gene: MTM1 (myotubularin 1; plus strand). Cytogenetic location: Xq28.
Variant type: single nucleotide variant.
Coding change: c.931A>G on transcript NM_000252.3 (MANE Select); coding-DNA position 931, A replaced by G.
Protein change: p.Ile311Val; replaces isoleucine 311 with valine.
Molecular consequence: missense variant.
Genome position (GRCh38, 1-based): chrX:150,649,779, A>G. VCF-style: chrX-150649779-A-G. GRCh37 (hg19) VCF-style: chrX-149818252-A-G.
Other names: c.931A>G, p.Ile311Val (NM_001376906.1, NM_001376908.1); c.820A>G, p.Ile274Val (NM_001376907.1); short protein forms I274V, I311V.
Identifiers: ClinVar variation 1023558 (VCV001023558.11), dbSNP rs782444216, ClinGen allele CA10539188.
Genomic context (GRCh38, chrX:150,649,779, plus strand): 5'-ACAGGAGGAGGATATGAAAGTGATGATGCATATCATAACGCCGAACTTTTCTTCTTAGAC[A>G]TTCATAATATTCATGTTATGCGGGAATCTTTAAAAAAAGTGAAGGACATTGTTTATCCTA-3'
Protein context (NP_000243.1, residues 301-321): YHNAELFFLD[Ile311Val]HNIHVMRESL

ClinVar aggregate classification (germline): Uncertain significance. Review status: criteria provided, single submitter (1 of 4 stars). 2 submissions from 2 submitters: Uncertain significance (1). 1 of the submissions does not count toward it. Last evaluated 2021-09-02.

Conditions:
Severe X-linked myotubular myopathy (CNMX). Also called: MYOTUBULAR MYOPATHY 1; Myotubular myopathy, X-linked; X-linked centronuclear myopathy. Identifiers: Orphanet 596, MedGen C0410203, MONDO:0010683, OMIM 310400.

Allele frequency attached by ClinVar (database versions not stated): ExAC 0.00001; gnomAD exomes 0.00001; TOPMed 0.00002.

Submissions (2):

Labcorp Genetics (formerly Invitae), Labcorp
Classification: Uncertain significance for Severe X-linked myotubular myopathy. Last evaluated: 2021-09-02. Review status: criteria provided, single submitter. Criteria: Invitae Variant Classification Sherloc (09022015). Collection method: clinical testing. Allele origin: germline.
Comment: This sequence change replaces isoleucine with valine at codon 311 of the MTM1 protein (p.Ile311Val). The isoleucine residue is highly conserved and there is a small physicochemical difference between isoleucine and valine. This variant is present in population databases (rs782444216, ExAC 0.01%), including at least one homozygous and/or hemizygous individual. This variant has not been reported in the literature in individuals affected with MTM1-related conditions. Algorithms developed to predict the effect of missense changes on protein structure and function are either unavailable or do not agree on the potential impact of this missense change (SIFT: "Deleterious"; PolyPhen-2: "Probably Damaging"; Align-GVGD: "Class C0"). In summary, the available evidence is currently insufficient to determine the role of this variant in disease. Therefore, it has been classified as a Variant of Uncertain Significance.

Natera, Inc.
Classification: Uncertain significance for Severe X-linked myotubular myopathy. Last evaluated: 2021-01-25. Review status: no assertion criteria provided. Collection method: clinical testing. Allele origin: germline. Not counted in ClinVar's aggregate classification.